The following is an entry in ClinVar:

NM_000783.4(CYP26A1):c.631G>T (p.Val211Leu)

Gene: CYP26A1 (cytochrome P450 family 26 subfamily A member 1; plus strand). Cytogenetic location: 10q23.33.
Variant type: single nucleotide variant.
Coding change: c.631G>T on transcript NM_000783.4 (MANE Select); coding-DNA position 631, G replaced by T.
Protein change: p.Val211Leu; replaces valine 211 with leucine.
Molecular consequence: missense variant.
Genome position (GRCh38, 1-based): chr10:93,074,995, G>T. VCF-style: chr10-93074995-G-T. GRCh37 (hg19) VCF-style: chr10-94834752-G-T.
Other names: c.424G>T, p.Val142Leu (NM_057157.2); short protein forms V142L, V211L.
Identifiers: ClinVar variation 3351143 (VCV003351143.1).

ClinVar aggregate classification (germline): Likely benign (0 of 4 stars; one submission).

Conditions:
CYP26A1-related condition.

Submission:

PreventionGenetics, part of Exact Sciences
Classification: Likely benign for CYP26A1-related condition. Last evaluated: 2024-08-01. Review status: no assertion criteria provided. Collection method: clinical testing. Allele origin: germline.
Comment: This variant is classified as likely benign based on ACMG/AMP sequence variant interpretation guidelines (Richards et al. 2015 PMID: 25741868, with internal and published modifications).